The following is an entry in ClinVar:

ClinVar aggregate classification (germline): Uncertain significance (1 of 4 stars; one submission).

Conditions:
POLG-related disorder. Also called: POLG-Related Spectrum Disorders; POLG-related condition; POLG-Related Disorders. Identifiers: MedGen C4763519.

gnomAD v4.1: 2 of 1,535,630 alleles (0.00013%); highest among the groups gnomAD compares: Non-Finnish European, 0.00017%; no homozygotes.

Submission:

PreventionGenetics, part of Exact Sciences
Classification: Uncertain significance for POLG-related condition. Last evaluated: 2026-08-31. Review status: criteria provided, single submitter. Criteria: ACMG Guidelines, 2015. Collection method: clinical testing. Allele origin: germline.
Comment: The POLG c.21G>C variant is predicted to result in the amino acid substitution p.Arg7Ser. To our knowledge, this variant has not been reported in the literature or in a large population database (gnomAD), indicating this variant is rare. At this time, the clinical significance of this variant is uncertain due to the absence of conclusive functional and genetic evidence.

NM_002693.3(POLG):c.21G>C (p.Arg7Ser)

Genes: POLG (DNA polymerase gamma, catalytic subunit; minus strand), POLGARF (POLG alternative reading frame; minus strand). Cytogenetic location: 15q26.1.
Variant type: single nucleotide variant.
Coding change: c.21G>C on transcript NM_002693.3 (MANE Select); coding-DNA position 21, G replaced by C.
Protein change: p.Arg7Ser; replaces arginine 7 with serine.
Molecular consequence: missense variant.
Genome position (GRCh38, 1-based): chr15:89,333,734, C>G on the plus strand (G>C on the coding strand, the complement: POLG is on the minus strand). VCF-style: chr15-89333734-C-G. GRCh37 (hg19) VCF-style: chr15-89876965-C-G.
Other names: c.76G>C, p.Glu26Gln (NM_001430120.1); c.21G>C, p.Arg7Ser (NM_001126131.2); short protein forms E26Q, R7S.
Identifiers: ClinVar variation 4993548 (VCV004993548.1).